The following is an entry in ClinVar:

ClinVar aggregate classification (germline): Uncertain significance (1 of 4 stars; one submission).

Allele frequency attached by ClinVar (database versions not stated): gnomAD exomes below 0.00001; gnomAD 0.00001.

Submission:

Labcorp Genetics (formerly Invitae), Labcorp
Classification: Uncertain significance. Last evaluated: 2023-12-18. Review status: criteria provided, single submitter. Criteria: Invitae Variant Classification Sherloc (09022015). Collection method: clinical testing. Allele origin: germline.
Comment: This sequence change replaces arginine, which is basic and polar, with glycine, which is neutral and non-polar, at codon 67 of the ZNF513 protein (p.Arg67Gly). This variant is present in population databases (no rsID available, gnomAD 0.003%). This variant has not been reported in the literature in individuals affected with ZNF513-related conditions. An algorithm developed to predict the effect of missense changes on protein structure and function (PolyPhen-2) suggests that this variant is likely to be tolerated. In summary, the available evidence is currently insufficient to determine the role of this variant in disease. Therefore, it has been classified as a Variant of Uncertain Significance.

NM_144631.6(ZNF513):c.199A>G (p.Arg67Gly)

Gene: ZNF513 (zinc finger protein 513; minus strand). Cytogenetic location: 2p23.3.
Variant type: single nucleotide variant.
Coding change: c.199A>G on transcript NM_144631.6 (MANE Select); coding-DNA position 199, A replaced by G.
Protein change: p.Arg67Gly; replaces arginine 67 with glycine.
Molecular consequence: missense variant.
Genome position (GRCh38, 1-based): chr2:27,380,105, T>C on the plus strand (A>G on the coding strand, the complement: ZNF513 is on the minus strand). VCF-style: chr2-27380105-T-C. GRCh37 (hg19) VCF-style: chr2-27602972-T-C.
Other names: c.13A>G, p.Arg5Gly (NM_001201459.2); short protein forms R67G, R5G.
Identifiers: ClinVar variation 2978246 (VCV002978246.3), dbSNP rs1464548118, ClinGen allele CA346219595.